The following is an entry in ClinVar:

ClinVar aggregate classification (germline): Uncertain significance. Review status: criteria provided, multiple submitters, no conflicts (2 of 4 stars). 3 submissions from 3 submitters: Uncertain significance (3). Last evaluated 2022-11-06.

Conditions:
Microcephaly, normal intelligence and immunodeficiency (NBS). Also called: BERLIN BREAKAGE SYNDROME; IMMUNODEFICIENCY, MICROCEPHALY, AND CHROMOSOMAL INSTABILITY; Microcephaly with normal intelligence immunodeficiency and lymphoreticular malignancies; Nonsyndromal microcephaly autosomal recessive with normal intelligence; Seemanova syndrome 2; SEEMANOVA SYNDROME II. Identifiers: Orphanet 647, MedGen C0398791, MONDO:0009623, OMIM 251260.
Hereditary cancer-predisposing syndrome. Also called: Hereditary neoplastic syndrome; Neoplastic Syndromes, Hereditary; Tumor predisposition; Hereditary Cancer Syndrome. Identifiers: Orphanet 140162, MedGen C0027672, MeSH D009386, MONDO:0015356.

Submissions (3):

Ambry Genetics
Classification: Uncertain significance for Hereditary cancer-predisposing syndrome. Last evaluated: 2022-11-06. Review status: criteria provided, single submitter. Criteria: Ambry Variant Classification Scheme 2023. Collection method: clinical testing. Allele origin: germline.
Comment: The p.A241P variant (also known as c.721G>C), located in coding exon 7 of the NBN gene, results from a G to C substitution at nucleotide position 721. The alanine at codon 241 is replaced by proline, an amino acid with highly similar properties. This amino acid position is conserved. In addition, this alteration is predicted to be deleterious by in silico analysis. Since supporting evidence is limited at this time, the clinical significance of this alteration remains unclear.

Labcorp Genetics (formerly Invitae), Labcorp
Classification: Uncertain significance for Microcephaly, normal intelligence and immunodeficiency. Last evaluated: 2022-04-22. Review status: criteria provided, single submitter. Criteria: Invitae Variant Classification Sherloc (09022015). Collection method: clinical testing. Allele origin: germline.
Comment: ClinVar contains an entry for this variant (Variation ID: 1203689). In summary, the available evidence is currently insufficient to determine the role of this variant in disease. Therefore, it has been classified as a Variant of Uncertain Significance. Algorithms developed to predict the effect of missense changes on protein structure and function are either unavailable or do not agree on the potential impact of this missense change (SIFT: "Deleterious"; PolyPhen-2: "Possibly Damaging"; Align-GVGD: "Class C0"). This variant has not been reported in the literature in individuals affected with NBN-related conditions. This variant is not present in population databases (gnomAD no frequency). This sequence change replaces alanine, which is neutral and non-polar, with proline, which is neutral and non-polar, at codon 241 of the NBN protein (p.Ala241Pro).

GeneDx
Classification: Uncertain significance. Last evaluated: 2019-10-07. Review status: criteria provided, single submitter. Criteria: GeneDx Variant Classification Process June 2021. Collection method: clinical testing. Allele origin: germline. Affected: yes.
Comment: Not observed in large population cohorts (Lek 2016); In silico analysis, which includes protein predictors and evolutionary conservation, supports a deleterious effect; Has not been previously published as pathogenic or benign to our knowledge

NM_002485.5(NBN):c.721G>C (p.Ala241Pro)

Gene: NBN (nibrin; minus strand). Cytogenetic location: 8q21.3.
Variant type: single nucleotide variant.
Coding change: c.721G>C on transcript NM_002485.5 (MANE Select); coding-DNA position 721, G replaced by C.
Protein change: p.Ala241Pro; replaces alanine 241 with proline.
Molecular consequence: missense variant.
Genome position (GRCh38, 1-based): chr8:89,970,539, C>G on the plus strand (G>C on the coding strand, the complement: NBN is on the minus strand). VCF-style: chr8-89970539-C-G. GRCh37 (hg19) VCF-style: chr8-90982767-C-G.
Other names: c.475G>C, p.Ala159Pro (NM_001024688.3); short protein forms A159P, A241P.
Identifiers: ClinVar variation 1203689 (VCV001203689.10), dbSNP rs587781333, ClinGen allele CA371658862.